The following is an entry in ClinVar:

NM_000465.4(BARD1):c.920_921del (p.Tyr307fs)

Gene: BARD1 (BRCA1 associated RING domain 1; minus strand). Cytogenetic location: 2q35.
Variant type: Deletion.
Coding change: c.920_921del on transcript NM_000465.4 (MANE Select); coding-DNA positions 920 to 921, 2 bases deleted (AT; older notation c.920_921delAT).
Protein change: p.Tyr307fs; shifts the reading frame from tyrosine 307.
Molecular consequence: frameshift variant. On other transcripts: non-coding transcript variant (2), intron variant (3).
Genome position (GRCh38, 1-based): chr2:214,780,953-214,780,954, AT deleted on the plus strand (AT on the coding strand, the reverse complement: BARD1 is on the minus strand); deleting any 2 consecutive bases within chr2:214,780,953-214,780,955 gives the same sequence; the c. name uses the placement nearest the transcript's 3' end. VCF-style (leftmost placement, unchanged base first): chr2-214780952-GAT-G. GRCh37 (hg19) VCF-style: chr2-215645676-GAT-G.
Other names: c.863_864del, p.Tyr288fs (NM_001282543.2); c.159-28399_159-28398del (NM_001282548.2); c.215+16107_215+16108del (NM_001282545.2); c.364+11343_364+11344del (NM_001282549.2); short protein forms Y288fs, Y307fs.
Identifiers: ClinVar variation 479156 (VCV000479156.5), dbSNP rs1553622342, ClinGen allele CA658657205.

ClinVar aggregate classification (germline): Pathogenic (1 of 4 stars; one submission).

Conditions:
Hereditary cancer-predisposing syndrome. Also called: Neoplastic Syndromes, Hereditary; Hereditary Cancer Syndrome; Hereditary neoplastic syndrome; Tumor predisposition. Identifiers: Orphanet 140162, MedGen C0027672, MeSH D009386, MONDO:0015356.

Submission:

Ambry Genetics
Classification: Pathogenic for Hereditary cancer-predisposing syndrome. Last evaluated: 2016-07-08. Review status: criteria provided, single submitter. Criteria: Ambry Variant Classification Scheme 2023. Collection method: clinical testing. Allele origin: germline.
Comment: The c.920_921delAT pathogenic mutation, located in coding exon 4 of the BARD1 gene, results from a deletion of two nucleotides at nucleotide positions 920 to 921, causing a translational frameshift with a predicted alternate stop codon (p.Y307Sfs*4). This alteration is expected to result in loss of function by premature protein truncation or nonsense-mediated mRNA decay. As such, this alteration is interpreted as a disease-causing mutation.